The following is an entry in ClinVar:

ClinVar aggregate classification (germline): Uncertain significance. Review status: criteria provided, multiple submitters, no conflicts (2 of 4 stars). 3 submissions from 3 submitters: Uncertain significance (3). Last evaluated 2025-09-23.

Conditions:
Sessile serrated polyposis cancer syndrome (SSPCS). Identifiers: Orphanet 157798, MedGen C4310714, MONDO:0014919, OMIM 617108.

Allele frequency attached by ClinVar (database versions not stated): ExAC 0.00007.
gnomAD v4.1: 51 of 1,613,524 alleles (0.0032%); highest among the groups gnomAD compares: Middle Eastern, 0.016%; no homozygotes.

Submissions (3):

Labcorp Genetics (formerly Invitae), Labcorp
Classification: Uncertain significance. Last evaluated: 2025-09-23. Review status: criteria provided, single submitter. Criteria: Invitae Variant Classification Sherloc (09022015). Collection method: clinical testing. Allele origin: germline.
Comment: This sequence change replaces arginine, which is basic and polar, with cysteine, which is neutral and slightly polar, at codon 732 of the RNF43 protein (p.Arg732Cys). This variant is present in population databases (rs775335997, gnomAD 0.008%). This variant has not been reported in the literature in individuals affected with RNF43-related conditions. ClinVar contains an entry for this variant (Variation ID: 1368729). An algorithm developed to predict the effect of missense changes on protein structure and function outputs the following: PolyPhen-2: "Benign". The cysteine amino acid residue is found in multiple mammalian species, which suggests that this missense change does not adversely affect protein function. In summary, the available evidence is currently insufficient to determine the role of this variant in disease. Therefore, it has been classified as a Variant of Uncertain Significance.

Ambry Genetics
Classification: Uncertain significance. Last evaluated: 2025-03-22. Review status: criteria provided, single submitter. Criteria: Ambry Variant Classification Scheme 2023. Collection method: clinical testing. Allele origin: germline.

Baylor Genetics
Classification: Uncertain significance for Sessile serrated polyposis cancer syndrome. Last evaluated: 2023-08-14. Review status: criteria provided, single submitter. Criteria: ACMG Guidelines, 2015. Collection method: clinical testing. Allele origin: unknown.

NM_017763.6(RNF43):c.2194C>T (p.Arg732Cys)

Gene: RNF43 (ring finger protein 43; minus strand). Cytogenetic location: 17q22.
Variant type: single nucleotide variant.
Coding change: c.2194C>T on transcript NM_017763.6 (MANE Select); coding-DNA position 2194, C replaced by T.
Protein change: p.Arg732Cys; replaces arginine 732 with cysteine.
Molecular consequence: missense variant.
Genome position (GRCh38, 1-based): chr17:58,357,582, G>A on the plus strand (C>T on the coding strand, the complement: RNF43 is on the minus strand). VCF-style: chr17-58357582-G-A. GRCh37 (hg19) VCF-style: chr17-56434943-G-A.
Other names: c.2194C>T (NM_017763.4); c.2194C>T, p.Arg732Cys (NM_001305544.3); c.1813C>T, p.Arg605Cys (NM_001305545.2); short protein forms R605C, R732C.
Identifiers: ClinVar variation 1368729 (VCV001368729.10), dbSNP rs775335997, ClinGen allele CA8673057.